The following is an entry in ClinVar:

NM_152564.5(VPS13B):c.5576T>C (p.Val1859Ala)

Gene: VPS13B (vacuolar protein sorting 13 homolog B; plus strand). Cytogenetic location: 8q22.2.
Variant type: single nucleotide variant.
Coding change: c.5576T>C on transcript NM_152564.5 (MANE Select); coding-DNA position 5576, T replaced by C.
Protein change: p.Val1859Ala; replaces valine 1859 with alanine.
Molecular consequence: missense variant.
Genome position (GRCh38, 1-based): chr8:99,642,166, T>C. VCF-style: chr8-99642166-T-C. GRCh37 (hg19) VCF-style: chr8-100654394-T-C.
Other names: c.5651T>C, p.Val1884Ala (NM_017890.5); short protein forms V1859A, V1884A.
Identifiers: ClinVar variation 3639099 (VCV003639099.2).

ClinVar aggregate classification (germline): Uncertain significance (1 of 4 stars; one submission).

Conditions:
Cohen syndrome (COH1). Also called: PEPPER SYNDROME; Cutis verticis gyrata, retinitis pigmentosa, and sensorineural deafness. Identifiers: Orphanet 193, MedGen C0265223, MONDO:0008999, OMIM 216550.

Submission:

Labcorp Genetics (formerly Invitae), Labcorp
Classification: Uncertain significance for Cohen syndrome. Last evaluated: 2024-02-06. Review status: criteria provided, single submitter. Criteria: Invitae Variant Classification Sherloc (09022015). Collection method: clinical testing. Allele origin: germline.
Comment: This sequence change replaces valine, which is neutral and non-polar, with alanine, which is neutral and non-polar, at codon 1884 of the VPS13B protein (p.Val1884Ala). This variant is not present in population databases (gnomAD no frequency). This variant has not been reported in the literature in individuals affected with VPS13B-related conditions. Advanced modeling of protein sequence and biophysical properties (such as structural, functional, and spatial information, amino acid conservation, physicochemical variation, residue mobility, and thermodynamic stability) performed at Invitae indicates that this missense variant is not expected to disrupt VPS13B protein function with a negative predictive value of 80%. In summary, the available evidence is currently insufficient to determine the role of this variant in disease. Therefore, it has been classified as a Variant of Uncertain Significance.